The following is an entry in ClinVar:

ClinVar aggregate classification (germline): Uncertain significance (1 of 4 stars; one submission).

Submission:

Labcorp Genetics (formerly Invitae), Labcorp
Classification: Uncertain significance. Last evaluated: 2025-01-11. Review status: criteria provided, single submitter. Criteria: Invitae Variant Classification Sherloc (09022015). Collection method: clinical testing. Allele origin: germline.
Comment: This sequence change falls in intron 8 of the SCN3A gene. It does not directly change the encoded amino acid sequence of the SCN3A protein. Information on the frequency of this variant in the gnomAD database is not available, as this variant may be reported differently in the database. This variant has not been reported in the literature in individuals affected with SCN3A-related conditions. ClinVar contains an entry for this variant (Variation ID: 2097272). Experimental studies and prediction algorithms are not available or were not evaluated, and the effect of this variant on mRNA splicing is currently unknown. In summary, the available evidence is currently insufficient to determine the role of this variant in disease. Therefore, it has been classified as a Variant of Uncertain Significance.

NM_006922.4(SCN3A):c.968-21_968-20delinsTT

Gene: SCN3A (sodium voltage-gated channel alpha subunit 3; minus strand). Cytogenetic location: 2q24.3.
Variant type: Indel.
Coding change: c.968-21_968-20delinsTT on transcript NM_006922.4 (MANE Select); 21 bases into the intron before coding-DNA position 968 through 20 bases into the intron before coding-DNA position 968, GG replaced by TT.
Molecular consequence: intron variant.
Genome position (GRCh38, 1-based): chr2:165,162,391-165,162,392, CC replaced by AA on the plus strand (GG replaced by TT on the coding strand, the reverse complement: SCN3A is on the minus strand). VCF-style: chr2-165162391-CC-AA. GRCh37 (hg19) VCF-style: chr2-166018901-CC-AA.
Other names: c.968-21_968-20delinsTT (NM_001081676.2, NM_001081677.2).
Identifiers: ClinVar variation 2097272 (VCV002097272.4), dbSNP rs2468473454, ClinGen allele CA2580064332.